The following is an entry in ClinVar:

ClinVar aggregate classification (germline): Likely benign. Review status: criteria provided, single submitter (1 of 4 stars). 2 submissions from 2 submitters: Likely benign (1). 1 of the submissions does not count toward it. Last evaluated 2023-01-01.

Conditions:
MUC16-related disorder. Also called: MUC16-related condition.

Allele frequency attached by ClinVar (database versions not stated): 1000 Genomes Project 30x 0.00312; 1000 Genomes Project 0.00319; gnomAD 0.00488; TOPMed 0.00507; ExAC 0.00515; ESP Exome Variant Server 0.00519; gnomAD exomes 0.00656.

Submissions (2):

CeGaT Center for Human Genetics Tuebingen
Classification: Likely benign. Last evaluated: 2023-01-01. Review status: criteria provided, single submitter. Criteria: CeGaT Center For Human Genetics Tuebingen Variant Classification Criteria Version 2. Collection method: clinical testing. Allele origin: germline. Affected: yes. Observed: 1 variant allele.
Comment: MUC16: BP4, BS2

PreventionGenetics, part of Exact Sciences
Classification: Benign for MUC16-related condition. Last evaluated: 2019-02-18. Review status: no assertion criteria provided. Collection method: clinical testing. Allele origin: germline. Not counted in ClinVar's aggregate classification.
Comment: This variant is classified as benign based on ACMG/AMP sequence variant interpretation guidelines (Richards et al. 2015 PMID: 25741868, with internal and published modifications).

NM_001401501.2(MUC16):c.31532G>A (p.Arg10511Lys)

Gene: MUC16 (mucin 16, cell surface associated; minus strand). Cytogenetic location: 19p13.2.
Variant type: single nucleotide variant.
Coding change: c.31532G>A on transcript NM_001401501.2 (MANE Select); coding-DNA position 31532, G replaced by A.
Protein change: p.Arg10511Lys; replaces arginine 10511 with lysine.
Molecular consequence: missense variant.
Genome position (GRCh38, 1-based): chr19:8,939,543, C>T on the plus strand (G>A on the coding strand, the complement: MUC16 is on the minus strand). VCF-style: chr19-8939543-C-T. GRCh37 (hg19) VCF-style: chr19-9050219-C-T.
Other names: c.31958G>A, p.Arg10653Lys (NM_001414686.1); c.31412G>A, p.Arg10471Lys (NM_001414687.1, NM_024690.2); short protein forms R10471K, R10511K, R10653K.
Identifiers: ClinVar variation 2649237 (VCV002649237.25), dbSNP rs147543535, ClinGen allele CA9166861.
Genomic context (GRCh38, chr19:8,939,543, plus strand): 5'-CTGGAAGTGGTCTTCAGAGCTGTGGTGGTGGTCTTCAGAGCTGTGGTGGTGGTCTCCATT[C>T]TTTTTGTCCCTCCTGTGTGTAGTCCTGTAAATTGGGGAATGGGCACACAATTTGAACAAA-3'
Protein context (NP_001388430.1, residues 10501-10521): PKGLHTGGTK[Arg10511Lys]METTTTALKT